The following is an entry in ClinVar:

ClinVar aggregate classification (germline): Benign. Review status: criteria provided, multiple submitters, no conflicts (2 of 4 stars). 6 submissions from 6 submitters: Benign (6). Last evaluated 2026-02-03.

Conditions:
Autosomal dominant cerebellar ataxia. Also called: Spinocerebellar Ataxia, Dominant. Identifiers: Orphanet 99, MedGen C4087347, MONDO:0020380.

Allele frequency attached by ClinVar (database versions not stated): ESP Exome Variant Server 0.07448; 1000 Genomes Project 0.11182; 1000 Genomes Project 30x 0.11321.
gnomAD v4.1: 50,879 of 1,611,926 alleles (3.2%); highest among the groups gnomAD compares: African/African-American, 23%; 3,000 homozygotes.

Submissions (6):

Labcorp Genetics (formerly Invitae), Labcorp
Classification: Benign. Last evaluated: 2026-02-03. Review status: criteria provided, single submitter. Criteria: Invitae Variant Classification Sherloc (09022015). Collection method: clinical testing. Allele origin: germline.

Athena Diagnostics
Classification: Benign. Last evaluated: 2023-11-16. Review status: criteria provided, single submitter. Criteria: Athena Diagnostics Criteria. Collection method: clinical testing. Allele origin: unknown.

Mayo Clinic Laboratories, Mayo Clinic
Classification: Benign. Last evaluated: 2022-03-24. Review status: criteria provided, single submitter. Criteria: ACMG Guidelines, 2015. Collection method: clinical testing. Allele origin: germline. Observed: 32 variant alleles.

GeneDx
Classification: Benign. Last evaluated: 2018-07-26. Review status: criteria provided, single submitter. Criteria: GeneDx Variant Classification Process June 2021. Collection method: clinical testing. Allele origin: germline. Affected: yes.

Illumina Laboratory Services, Illumina
Classification: Benign for Spinocerebellar Ataxia, Dominant. Last evaluated: 2018-01-13. Review status: criteria provided, single submitter. Criteria: ICSL Variant Classification Criteria 13 December 2019. Collection method: clinical testing. Allele origin: germline.
Comment: This variant was observed in the ICSL laboratory as part of a predisposition screen in an ostensibly healthy population. It had not been previously curated by ICSL or reported in the Human Gene Mutation Database (HGMD: prior to June 1st, 2018), and was therefore a candidate for classification through an automated scoring system. Utilizing variant allele frequency, disease prevalence and penetrance estimates, and inheritance mode, an automated score was calculated to assess if this variant is too frequent to cause the disease. Based on the score and internal cut-off values, a variant classified as benign is not then subjected to further curation. The score for this variant resulted in a classification of benign for this disease.

Breakthrough Genomics
Classification: Benign. Review status: criteria provided, single submitter. Criteria: ACMG Guidelines, 2015. Collection method: not provided. Allele origin: germline. Inheritance: Autosomal dominant inheritance. Affected: yes.

NM_001378452.1(ITPR1):c.1125G>C (p.Leu375=)

Gene: ITPR1 (inositol 1,4,5-trisphosphate receptor type 1; plus strand). Cytogenetic location: 3p26.1.
Variant type: single nucleotide variant.
Coding change: c.1125G>C on transcript NM_001378452.1 (MANE Select); coding-DNA position 1125, G replaced by C.
Protein change: p.Leu375=; no amino-acid change (leucine 375 retained).
Molecular consequence: synonymous variant.
Genome position (GRCh38, 1-based): chr3:4,658,252, G>C. VCF-style: chr3-4658252-G-C. GRCh37 (hg19) VCF-style: chr3-4699936-G-C.
Other names: p.Leu360=; c.1125G>C, p.Leu375= (NM_001099952.4); c.1080G>C, p.Leu360= (NM_001168272.2, NM_002222.7); c.1080G>C (NM_002222.6).
Identifiers: ClinVar variation 345606 (VCV000345606.17), dbSNP rs2306869, ClinGen allele CA2231098.
Genomic context (GRCh38, chr3:4,658,252, plus strand): 5'-GGTCTCTGTGCCTGAAGGCAATGACATCTCCTCCATTTTCGAGCTAGATCCCACCACTCT[G>C]CGTGGAGGTGACAGCCTTGTCCCAAGGTATCATTTTAAAATTGCTTTTCCCCAAAGAATC-3'
Protein context (NP_001365381.1, residues 365-385): SSIFELDPTT[Leu375=]RGGDSLVPRN